The following is an entry in ClinVar:

NM_016222.4(DDX41):c.986AGA[2] (p.Lys331del)

Gene: DDX41 (DEAD-box helicase 41; minus strand). Cytogenetic location: 5q35.3.
Variant type: Microsatellite.
Coding change: c.986AGA[2] on transcript NM_016222.4 (MANE Select); two copies in a row of the 3-base unit AGA starting at c.986; the reference has three copies in a row; one copy, 3 bases deleted; also written c.992_994del.
Protein change: p.Lys331del; deletes lysine 331.
Molecular consequence: inframe deletion.
Genome position (GRCh38, 1-based): chr5:177,513,789-177,513,791, TCT deleted on the plus strand (AGA on the coding strand, the reverse complement: DDX41 is on the minus strand); deleting any 3 consecutive bases within chr5:177,513,789-177,513,797 gives the same sequence; the position shown is the placement nearest the transcript's 3' end. VCF-style (leftmost placement, unchanged base first): chr5-177513788-ATCT-A. GRCh37 (hg19) VCF-style: chr5-176940789-ATCT-A.
Other names: c.608AGA[2], p.Lys205del (NM_001321732.2, NM_001321830.2); c.992_994delAGA (NM_016222.2); c.992_994del (NM_016222.4); short protein forms K331del, K205del.
Identifiers: ClinVar variation 2173668 (VCV002173668.10), dbSNP rs752201749, ClinGen allele CA3584932.

ClinVar aggregate classification (germline): Conflicting classifications of pathogenicity. Review status: criteria provided, conflicting classifications (1 of 4 stars). 5 submissions from 5 submitters: Pathogenic (2); Likely pathogenic (2); Uncertain significance (1). Last evaluated 2026-08-19.

Conditions:
DDX41-related hematologic malignancy predisposition syndrome. Also called: Myeloproliferative/lymphoproliferative neoplasms, familial (multiple types), susceptibility to; DDX41-Associated Familial Myelodysplastic Syndrome and Acute Myeloid Leukemia. Identifiers: Orphanet 488647, MedGen C4225174, MONDO:0014809, OMIM 616871.
Inborn genetic diseases. Identifiers: MedGen C0950123, MeSH D030342.

Submissions (5):

Ambry Genetics
Classification: Likely pathogenic for Inborn genetic diseases. Last evaluated: 2026-08-19. Review status: criteria provided, single submitter. Criteria: Ambry Variant Classification Scheme 2023. Collection method: clinical testing. Allele origin: germline.
Comment: The c.992_994delAGA variant (also known as p.K331del) is located in coding exon 10 of the DDX41 gene. This variant results from an in-frame AGA deletion at nucleotide positions 992 to 994. This results in the in-frame deletion of a lysine at codon 331. This variant has been reported in individual(s) and in one or more case control studies, this variant was found to be associated with MDS/AML. At least one individual with this variant was found to harbor a somatic second-hit variant at a recognized DDX41 hotspot codon upon sequencing of the myeloid malignancy specimen (Tiong IS et al. Leukemia, 2026 Mar;40:649-660; S&eacute;bert M et al. Blood, 2019 Oct;134:1441-1444; Hirsch P et al. Br J Haematol, 2022 Nov;199:623-626; Kim JA et al. Leukemia, 2023 Jan;37:235-239; Rolles B et al. Blood Cancer J, 2023 May;13:73; Molteni E et al. Blood, 2023 Aug;142:643-657; Badar T et al. Haematologica, 2023 Nov;108:3033-3043; Nyquist OE et al. Br J Haematol, 2024 Feb;204:724-729). Functional studies suggest this variant affects the protein activity; however, the physiological relevance of this finding is/these findings are unclear (Kim JA et al. Nat Commun, 2025 Nov;16:9716; Kim JA et al. Leukemia, 2023 Jan;37:235-239). This amino acid position is highly conserved in available vertebrate species. In addition, this variant is predicted to be deleterious by in silico analysis (Choi Y et al. PLoS ONE. 2012; 7(10):e46688). Based on the majority of available evidence to date, this variant is likely to be pathogenic.

Labcorp Genetics (formerly Invitae), Labcorp
Classification: Uncertain significance. Last evaluated: 2026-01-21. Review status: criteria provided, single submitter. Criteria: Invitae Variant Classification Sherloc (09022015). Collection method: clinical testing. Allele origin: germline.
Comment: This variant, c.992_994del, results in the deletion of 1 amino acid(s) of the DDX41 protein (p.Lys331del), but otherwise preserves the integrity of the reading frame. This variant is present in population databases (rs752201749, gnomAD 0.004%). This variant has been observed in individuals with myeloproliferative/lymphoproliferative neoplasms (PMID: 31484648, 35443031, 35671390, 37160870, 37216690, 38016923). Experimental studies and prediction algorithms are not available or were not evaluated, and the functional significance of this variant is currently unknown. In summary, the available evidence is currently insufficient to determine the role of this variant in disease. Therefore, it has been classified as a Variant of Uncertain Significance.

GeneDx
Classification: Pathogenic. Last evaluated: 2025-06-22. Review status: criteria provided, single submitter. Criteria: GeneDx Variant Classification Process June 2021. Collection method: clinical testing. Allele origin: germline.
Comment: Published functional studies demonstrate altered transcription of DDX41-regulated mRNAs and impaired ability to regulate hematopoietic differentiation (PMID: 36347925); In-frame deletion of 1 amino acid in a non-repeat region; Not observed at significant frequency in large population cohorts (gnomAD); In silico analysis supports a deleterious effect on protein structure/function; This variant is associated with the following publications: (PMID: 35443031, 36672294, 31484648, 35671390, 37216690, 37160870, 37506341, 37199125, 38670586, 38016923, 37874914, 36347925, 27721487, 40040251, 39185415)

Saint-Louis Hospital, Assistance Publique Hôpitaux de Paris
Classification: Pathogenic for DDX41-related hematologic malignancy predisposition syndrome. Last evaluated: 2025-05-13. Review status: criteria provided, single submitter. Criteria: ACMG Guidelines, 2015. Collection method: clinical testing. Allele origin: germline. Affected: yes.
Comment: The variant DDX41(NM_016222.4):c.992_994del:p.(Lys331del) has been reported in individuals with suspected or confirmed predisposition to myeloid malignancies ( Sébert et al, 2019, PMID: 31484648). Here, it is associated with a second (somatic) DDX41 mutation in bone marrow, which is a classical route of clonal evolution in DDX41-myeloid malignancies predisposition(Duployez et al, 2022, PMID: 35443031).

Human Genetics Bochum, Ruhr University Bochum
Classification: Likely pathogenic for DDX41-related hematologic malignancy predisposition syndrome. Last evaluated: 2025-01-07. Review status: criteria provided, single submitter. Criteria: ACMG Guidelines, 2015. Collection method: clinical testing. Allele origin: germline. Affected: yes.
Comment: ACMG criteria used to clasify this variant: PM1, PM4, PS4_SUP, PM2_SUP

Literature cited by the submitters: PubMed 31484648 (cited by 3 submitters); PubMed 36029113 (cited by Ambry Genetics); PubMed 36347925 (cited by Ambry Genetics); PubMed 37160870 (cited by Ambry Genetics and Labcorp Genetics (formerly Invitae), Labcorp); PubMed 37199125 (cited by Ambry Genetics); PubMed 37216690 (cited by Ambry Genetics and Labcorp Genetics (formerly Invitae), Labcorp); PubMed 38016923 (cited by Ambry Genetics and Labcorp Genetics (formerly Invitae), Labcorp); PubMed 41193510 (cited by Ambry Genetics); PubMed 41703027 (cited by Ambry Genetics); PubMed 35443031 (cited by Labcorp Genetics (formerly Invitae), Labcorp and Saint-Louis Hospital, Assistance Publique Hôpitaux de Paris); PubMed 35671390 (cited by Labcorp Genetics (formerly Invitae), Labcorp).